The following is an entry in ClinVar:

NM_019109.5(ALG1):c.287T>G (p.Val96Gly)

Gene: ALG1 (ALG1 chitobiosyldiphosphodolichol beta-mannosyltransferase; plus strand). Cytogenetic location: 16p13.3.
Variant type: single nucleotide variant.
Coding change: c.287T>G on transcript NM_019109.5 (MANE Select); coding-DNA position 287, T replaced by G.
Protein change: p.Val96Gly; replaces valine 96 with glycine.
Molecular consequence: missense variant. On other transcripts: 5 prime UTR variant (1).
Genome position (GRCh38, 1-based): chr16:5,073,153, T>G. VCF-style: chr16-5073153-T-G. GRCh37 (hg19) VCF-style: chr16-5123154-T-G.
Other names: c.-47T>G (NM_001330504.2); short protein forms V96G.
Identifiers: ClinVar variation 1352938 (VCV001352938.8), dbSNP rs534863399, ClinGen allele CA394679797.

ClinVar aggregate classification (germline): Uncertain significance (1 of 4 stars; one submission).

Conditions:
ALG1-congenital disorder of glycosylation. Also called: CDG Ik; CONGENITAL DISORDER OF GLYCOSYLATION, TYPE Ik; ALG1-CDG. Identifiers: Orphanet 79327, MedGen C2931005, MONDO:0012052, OMIM 608540.

Submission:

Labcorp Genetics (formerly Invitae), Labcorp
Classification: Uncertain significance for ALG1-congenital disorder of glycosylation. Last evaluated: 2021-05-10. Review status: criteria provided, single submitter. Criteria: Invitae Variant Classification Sherloc (09022015). Collection method: clinical testing. Allele origin: germline.
Comment: In summary, the available evidence is currently insufficient to determine the role of this variant in disease. Therefore, it has been classified as a Variant of Uncertain Significance. Algorithms developed to predict the effect of sequence changes on RNA splicing suggest that this variant may create or strengthen a splice site, but this prediction has not been confirmed by published transcriptional studies. Algorithms developed to predict the effect of missense changes on protein structure and function (SIFT, PolyPhen-2, Align-GVGD) all suggest that this variant is likely to be tolerated, but these predictions have not been confirmed by published functional studies and their clinical significance is uncertain. This variant has not been reported in the literature in individuals with ALG1-related conditions. This variant is not present in population databases (ExAC no frequency). This sequence change replaces valine with glycine at codon 96 of the ALG1 protein (p.Val96Gly). The valine residue is weakly conserved and there is a moderate physicochemical difference between valine and glycine.